The following is an entry in ClinVar:

ClinVar aggregate classification (germline): Likely pathogenic (1 of 4 stars; one submission).

Conditions:
Congenital hyperammonemia, type I. Also called: CPS I DEFICIENCY; Carbamoyl phosphate synthetase 1 deficiency; Hyperammonemia due to carbamoyl phosphate synthetase 1 deficiency; CPS 1 deficiency; Carbamyl phosphate synthetase (CPS) deficiency; Carbamoyl phosphate synthetase I deficiency disease. Identifiers: Orphanet 147, MedGen C4082171, MONDO:0009376, OMIM 237300.

Submission:

Natera, Inc.
Classification: Likely pathogenic for Carbamoyl-phosphate synthase I deficiency. Last evaluated: 2025-04-14. Review status: criteria provided, single submitter. Criteria: Natera Variant Classification Schema (03/2026). Collection method: clinical testing. Allele origin: germline.
Comment: The c.2731_2738del variant in CPS1 is a frameshift variant predicted to shift the reading frame beginning at codon 911 and leads to a stop codon 2 codons downstream. This variant is expected to result in nonsense mediated decay, truncation, or a dysfunctional protein product. This variant is rare in the general population with a frequency below the threshold expected for the associated phenotype(s). Given the available evidence, this variant is classified as Likely Pathogenic.

NM_001875.5(CPS1):c.2731_2738del (p.Gly911fs)

Gene: CPS1 (carbamoyl-phosphate synthase 1; plus strand). Cytogenetic location: 2q34.
Variant type: Deletion.
Coding change: c.2731_2738del on transcript NM_001875.5 (MANE Select); coding-DNA positions 2731 to 2738, 8 bases deleted (GGGTTCTC; older notation c.2731_2738delGGGTTCTC).
Protein change: p.Gly911fs; shifts the reading frame from glycine 911.
Molecular consequence: frameshift variant. On other transcripts: non-coding transcript variant (2).
Genome position (GRCh38, 1-based): chr2:210,637,745-210,637,752, GGGTTCTC deleted. VCF-style (leftmost placement, unchanged base first): chr2-210637744-TGGGTTCTC-T. GRCh37 (hg19) VCF-style: chr2-211502468-TGGGTTCTC-T.
Other names: c.2731_2738del, p.Gly911fs (NM_001122633.3, NM_001369257.1); c.2764_2771del, p.Gly922fs (NM_001369256.1); c.2731_2738delGGGTTCTC, p.Gly911Argfs (NM_001875.4); short protein forms G911fs, G922fs.
Identifiers: ClinVar variation 4065319 (VCV004065319.2).